The following is an entry in ClinVar:

ClinVar aggregate classification (germline): Conflicting classifications of pathogenicity. Review status: criteria provided, conflicting classifications (1 of 4 stars). 7 submissions from 6 submitters: Uncertain significance (3); Likely benign (4). Last evaluated 2024-09-03.

Conditions:
Cardiovascular phenotype. Identifiers: MedGen CN230736.
Tangier disease (TGD). Also called: HIGH DENSITY LIPOPROTEIN DEFICIENCY, TANGIER TYPE; HIGH DENSITY LIPOPROTEIN DEFICIENCY, TYPE 1; Cholesterol thesaurismosis. Identifiers: Orphanet 31150, MedGen C0039292, MONDO:0008783, OMIM 205400.
Hypoalphalipoproteinemia, primary, 1. Identifiers: Orphanet 425, MedGen C5231558, MONDO:0011393, OMIM 604091.

Allele frequency attached by ClinVar (database versions not stated): TOPMed 0.00011; gnomAD exomes 0.00013 and 0.00014; ESP Exome Variant Server 0.00008; ExAC 0.00010; gnomAD 0.00011.
gnomAD v4.1: 200 of 1,594,838 alleles (0.013%); highest among the groups gnomAD compares: Middle Eastern, 0.24%; 2 homozygotes.

Submissions (7):

Blueprint Genetics
Classification: Uncertain significance. Last evaluated: 2024-09-03. Review status: criteria provided, single submitter. Criteria: ACMG Guidelines, 2015. Collection method: clinical testing. Allele origin: germline.

Women's Health and Genetics/Laboratory Corporation of America, LabCorp
Classification: Likely benign. Last evaluated: 2024-07-29. Review status: criteria provided, single submitter. Criteria: LabCorp Variant Classification Summary - May 2015. Collection method: clinical testing. Allele origin: germline.
Comment: Variant summary: ABCA1 c.1716G>A (p.Gly572Gly) alters a conserved nucleotide located close to a canonical splice site and therefore could affect mRNA splicing, leading to a significantly altered protein sequence. Several computational tools predict a significant impact on normal splicing: Three predict the variant abolishes a cryptic 5 donor site. Three predict the variant weakens a 3' acceptor site. However, these predictions have yet to be confirmed by functional studies. The variant allele was found at a frequency of 0.00014 in 252068 control chromosomes in the gnomAD database, including 1 homozygotes. The observed variant frequency is approximately 11 fold of the estimated maximal expected allele frequency for a pathogenic variant in ABCA1 causing Early Onset Coronary Artery Disease phenotype (1.3e-05). c.1716G>A has been reported in the literature in individuals affected with low HDL (Motazacker_2013). These report(s) do not provide unequivocal conclusions about association of the variant with Early Onset Coronary Artery Disease. To our knowledge, no experimental evidence demonstrating an impact on protein function has been reported. The following publications have been ascertained in the context of this evaluation (PMID: 27884173, 23685560). ClinVar contains an entry for this variant (Variation ID: 364442). Based on the evidence outlined above, the variant was classified as likely benign.

Ambry Genetics
Classification: Likely benign for Cardiovascular phenotype. Last evaluated: 2023-08-28. Review status: criteria provided, single submitter. Criteria: Ambry Variant Classification Scheme 2023. Collection method: clinical testing. Allele origin: germline.

Labcorp Genetics (formerly Invitae), Labcorp
Classification: Uncertain significance. Last evaluated: 2022-08-15. Review status: criteria provided, single submitter. Criteria: Invitae Variant Classification Sherloc (09022015). Collection method: clinical testing. Allele origin: germline.
Comment: This sequence change affects codon 572 of the ABCA1 mRNA. It is a 'silent' change, meaning that it does not change the encoded amino acid sequence of the ABCA1 protein. It affects a nucleotide within the consensus splice site. The frequency data for this variant in the population databases is considered unreliable, as metrics indicate poor data quality at this position in the gnomAD database. This variant has been observed in individual(s) with low HDL-C (PMID: 23685560). ClinVar contains an entry for this variant (Variation ID: 364442). Algorithms developed to predict the effect of sequence changes on RNA splicing suggest that this variant is not likely to affect RNA splicing. In summary, the available evidence is currently insufficient to determine the role of this variant in disease. Therefore, it has been classified as a Variant of Uncertain Significance.

GeneDx
Classification: Likely benign. Last evaluated: 2020-09-25. Review status: criteria provided, single submitter. Criteria: GeneDx Variant Classification Process June 2021. Collection method: clinical testing. Allele origin: germline. Affected: yes.
Comment: This variant is associated with the following publications: (PMID: 27884173, 23685560)

Illumina Laboratory Services, Illumina
Classification: Likely benign for Hypoalphalipoproteinemia, primary, 1. Last evaluated: 2018-01-13. Review status: criteria provided, single submitter. Criteria: ICSL Variant Classification Criteria 13 December 2019. Collection method: clinical testing. Allele origin: germline.
Comment: This variant was observed in the ICSL laboratory as part of a predisposition screen in an ostensibly healthy population. It had not been previously curated by ICSL or reported in the Human Gene Mutation Database (HGMD: prior to June 1st, 2018), and was therefore a candidate for classification through an automated scoring system. Utilizing variant allele frequency, disease prevalence and penetrance estimates, and inheritance mode, an automated score was calculated to assess if this variant is too frequent to cause the disease. Based on the score and internal cut-off values, a variant classified as likely benign is not then subjected to further curation. The score for this variant resulted in a classification of likely benign for this disease.

Illumina Laboratory Services, Illumina
Classification: Uncertain significance for Tangier disease. Last evaluated: 2018-01-13. Review status: criteria provided, single submitter. Criteria: ICSL Variant Classification Criteria 13 December 2019. Collection method: clinical testing. Allele origin: germline.

Literature cited by the submitters: PubMed 27884173 (cited by Women's Health and Genetics/Laboratory Corporation of America, LabCorp); PubMed 23685560 (cited by Women's Health and Genetics/Laboratory Corporation of America, LabCorp and Labcorp Genetics (formerly Invitae), Labcorp).

NM_005502.4(ABCA1):c.1716G>A (p.Gly572=)

Gene: ABCA1 (ATP binding cassette subfamily A member 1; minus strand). Cytogenetic location: 9q31.1.
Variant type: single nucleotide variant.
Coding change: c.1716G>A on transcript NM_005502.4 (MANE Select); coding-DNA position 1716, G replaced by A.
Protein change: p.Gly572=; no amino-acid change (glycine 572 retained).
Molecular consequence: synonymous variant.
Genome position (GRCh38, 1-based): chr9:104,831,101, C>T on the plus strand (G>A on the coding strand, the complement: ABCA1 is on the minus strand). VCF-style: chr9-104831101-C-T. GRCh37 (hg19) VCF-style: chr9-107593382-C-T.
Identifiers: ClinVar variation 364442 (VCV000364442.15), dbSNP rs143299210, ClinGen allele CA5168917.